The following is an entry in ClinVar:

ClinVar aggregate classification (germline): Pathogenic/Likely pathogenic. Review status: criteria provided, multiple submitters, no conflicts (2 of 4 stars). 6 submissions from 6 submitters: Pathogenic (3); Likely pathogenic (1). 2 of the submissions do not count toward it. Last evaluated 2025-06-18.

Conditions:
Usher syndrome type 2. Also called: Usher Syndrome Type II. Identifiers: Orphanet 231178, MedGen C0339534, MONDO:0016484.
USH2A-related disorder. Also called: USH2A-related disorders; USH2A-related condition. Identifiers: MedGen CN239332.
Usher syndrome type 2A. Also called: RETINAL DISEASE IN USHER SYNDROME TYPE IIA, MODIFIER OF; USHER SYNDROME, TYPE IIA. Identifiers: Orphanet 231178, Orphanet 886, MedGen C1848634, MONDO:0010169, OMIM 276901.
Retinitis pigmentosa 39 (RP39). Identifiers: Orphanet 791, MedGen C3151138, MONDO:0013436, OMIM 613809.

Allele frequency attached by ClinVar (database versions not stated): gnomAD exomes below 0.00001; gnomAD 0.00001; TOPMed 0.00001.
gnomAD v4.1: 2 of 1,613,924 alleles (0.00012%); highest among the groups gnomAD compares: Admixed American, 0.0033%; no homozygotes.

Submissions (6):

3billion
Classification: Pathogenic for Usher syndrome type 2A. Last evaluated: 2025-06-18. Review status: criteria provided, single submitter. Criteria: ACMG Guidelines, 2015. Collection method: clinical testing. Allele origin: germline. Affected: yes.
Comment: The variant is observed at an extremely low frequency in the gnomAD v4.1.0 dataset (total allele frequency: <0.001%). Predicted Consequence/Location: Stop-gained (nonsense): predicted to result in a loss or disruption of normal protein function through nonsense-mediated decay (NMD) or protein truncation. Multiple pathogenic variants are reported downstream of the variant. The variant has been reported at least twice as pathogenic without evidence for the classification (ClinVar ID: VCV000853403 /PMID: 37287646). Therefore, this variant is classified as Pathogenic according to the recommendation of ACMG/AMP guideline.

Labcorp Genetics (formerly Invitae), Labcorp
Classification: Pathogenic. Last evaluated: 2023-08-10. Review status: criteria provided, single submitter. Criteria: Invitae Variant Classification Sherloc (09022015). Collection method: clinical testing. Allele origin: germline.
Comment: The frequency data for this variant in the population databases is considered unreliable, as metrics indicate poor data quality at this position in the gnomAD database. This sequence change creates a premature translational stop signal (p.Lys716*) in the USH2A gene. It is expected to result in an absent or disrupted protein product. Loss-of-function variants in USH2A are known to be pathogenic (PMID: 10729113, 10909849, 20507924, 25649381). This variant has not been reported in the literature in individuals affected with USH2A-related conditions. ClinVar contains an entry for this variant (Variation ID: 853403). For these reasons, this variant has been classified as Pathogenic.

Baylor Genetics
Classification: Pathogenic for Retinitis pigmentosa 39. Last evaluated: 2023-05-31. Review status: criteria provided, single submitter. Criteria: ACMG Guidelines, 2015. Collection method: clinical testing. Allele origin: unknown.

Blueprint Genetics
Classification: Likely pathogenic for USH2A-related disorders. Last evaluated: 2021-12-07. Review status: criteria provided, single submitter. Criteria: ACMG Guidelines, 2015. Collection method: clinical testing. Allele origin: germline. Affected: yes. Observed: 1 variant allele.

PreventionGenetics, part of Exact Sciences
Classification: Likely pathogenic for USH2A-related condition. Last evaluated: 2024-08-16. Review status: no assertion criteria provided. Collection method: clinical testing. Allele origin: germline. Not counted in ClinVar's aggregate classification.
Comment: The USH2A c.2146A>T variant is predicted to result in premature protein termination (p.Lys716*). This variant was reported in an individual with retinitis pigmentosa (Ordonez-Labastida et al. 2023. PubMed ID: 37287646). This variant is reported in 0.0029% of alleles in individuals of Latino descent in gnomAD. Nonsense variants in USH2A are expected to be pathogenic. This variant is interpreted as likely pathogenic.

Ophthalmo-Genetics Lab, Instituto de Oftalmologia Conde de Valenciana
Classification: Pathogenic for Usher syndrome type 2. Last evaluated: 2022-11-14. Review status: no assertion criteria provided. Collection method: clinical testing. Allele origin: germline. Inheritance: Autosomal recessive inheritance. Affected: yes. Observed: 1 compound heterozygote. Not counted in ClinVar's aggregate classification.
Comment: Novel pathogenic variant. PVS1, PM2, PP4, PP5.

Literature cited by the submitters: PubMed 37287646 (cited by 3billion); PubMed 10729113 (cited by Labcorp Genetics (formerly Invitae), Labcorp); PubMed 10909849 (cited by Labcorp Genetics (formerly Invitae), Labcorp); PubMed 20507924 (cited by Labcorp Genetics (formerly Invitae), Labcorp); PubMed 25649381 (cited by Labcorp Genetics (formerly Invitae), Labcorp); PubMed 35076463 (cited by Ophthalmo-Genetics Lab, Instituto de Oftalmologia Conde de Valenciana).

NM_206933.4(USH2A):c.2146A>T (p.Lys716Ter)

Gene: USH2A (usherin; minus strand). Cytogenetic location: 1q41.
Variant type: single nucleotide variant.
Coding change: c.2146A>T on transcript NM_206933.4 (MANE Select); coding-DNA position 2146, A replaced by T.
Protein change: p.Lys716Ter; replaces lysine 716 with a stop codon.
Molecular consequence: nonsense.
Genome position (GRCh38, 1-based): chr1:216,250,924, T>A on the plus strand (A>T on the coding strand, the complement: USH2A is on the minus strand). VCF-style: chr1-216250924-T-A. GRCh37 (hg19) VCF-style: chr1-216424266-T-A.
Other names: c.2146A>T, p.Lys716Ter (NM_007123.6); short protein forms K716*.
Identifiers: ClinVar variation 853403 (VCV000853403.12), dbSNP rs1364987785, ClinGen allele CA344866088.
Genomic context (GRCh38, chr1:216,250,924, plus strand): 5'-TAATAGAGATGTGACTGTAAACTTTTGCGTTACACGTACCAATAACGTTTGCTTTGCACT[T>A]GCACTGGCCTGAATTTTGGTGACAGGTAATATCTCCATCCACTGTCCCAGAGGTATTGCA-3'